The following is an entry in ClinVar:

NM_006031.6(PCNT):c.501A>G (p.Glu167=)

Gene: PCNT (pericentrin; plus strand). Cytogenetic location: 21q22.3.
Variant type: single nucleotide variant.
Coding change: c.501A>G on transcript NM_006031.6 (MANE Select); coding-DNA position 501, A replaced by G.
Protein change: p.Glu167=; no amino-acid change (glutamic acid 167 retained).
Molecular consequence: synonymous variant.
Genome position (GRCh38, 1-based): chr21:46,334,630, A>G. VCF-style: chr21-46334630-A-G. GRCh37 (hg19) VCF-style: chr21-47754544-A-G.
Other names: c.501A>G (NM_006031.5); c.147A>G, p.Glu49= (NM_001315529.2).
Identifiers: ClinVar variation 2889305 (VCV002889305.5), dbSNP rs779061629, ClinGen allele CA10078279.

ClinVar aggregate classification (germline): Likely benign. Review status: criteria provided, single submitter (1 of 4 stars). 2 submissions from 2 submitters: Likely benign (1). 1 of the submissions does not count toward it. Last evaluated 2025-03-11.

Conditions:
PCNT-related disorder. Also called: PCNT-related condition.

Allele frequency attached by ClinVar (database versions not stated): gnomAD exomes 0.00001; TOPMed 0.00003; gnomAD 0.00001; ExAC 0.00002.
gnomAD v4.1: 4 of 1,604,890 alleles (0.00025%); highest among the groups gnomAD compares: Admixed American, 0.0067%; no homozygotes.

Submissions (2):

Labcorp Genetics (formerly Invitae), Labcorp
Classification: Likely benign. Last evaluated: 2025-03-11. Review status: criteria provided, single submitter. Criteria: Invitae Variant Classification Sherloc (09022015). Collection method: clinical testing. Allele origin: germline.

PreventionGenetics, part of Exact Sciences
Classification: Likely benign for PCNT-related condition. Last evaluated: 2022-06-24. Review status: no assertion criteria provided. Collection method: clinical testing. Allele origin: germline. Not counted in ClinVar's aggregate classification.
Comment: This variant is classified as likely benign based on ACMG/AMP sequence variant interpretation guidelines (Richards et al. 2015 PMID: 25741868, with internal and published modifications).